The following is an entry in ClinVar:

NM_000128.4(F11):c.1445delinsATCATGGATTATTATTT (p.Ala482fs)

Gene: F11 (coagulation factor XI; plus strand). Cytogenetic location: 4q35.2.
Variant type: Indel.
Coding change: c.1445delinsATCATGGATTATTATTT on transcript NM_000128.4 (MANE Select); coding-DNA position 1445, C replaced by ATCATGGATTATTATTT.
Protein change: p.Ala482fs; shifts the reading frame from alanine 482.
Molecular consequence: frameshift variant.
Genome position (GRCh38, 1-based): chr4:186,285,778, C replaced by ATCATGGATTATTATTT. VCF-style: chr4-186285778-C-ATCATGGATTATTATTT. GRCh37 (hg19) VCF-style: chr4-187206932-C-ATCATGGATTATTATTT.
Other names: c.1397delinsATCATGGATTATTATTT, p.Ala466fs (NM_001440590.1, NM_001440596.1); c.1445delinsATCATGGATTATTATTT, p.Ala482fs (NM_001440593.1); c.1175delinsATCATGGATTATTATTT, p.Ala392fs (NM_001440605.1, NM_001440607.1); c.1127delinsATCATGGATTATTATTT, p.Ala376fs (NM_001440606.1, NM_001440608.1); short protein forms A376fs, A392fs, A466fs, A482fs.
Identifiers: ClinVar variation 5010669 (VCV005010669.1).

ClinVar aggregate classification (germline): Pathogenic (1 of 4 stars; one submission).

Conditions:
Hereditary factor XI deficiency disease. Also called: PLASMA THROMBOPLASTIN ANTECEDENT DEFICIENCY; PTA DEFICIENCY; ROSENTHAL SYNDROME; Congenital factor XI deficiency. Identifiers: Orphanet 329, MedGen C0015523, MeSH D005173, MONDO:0012897, OMIM 612416.

Submission:

Myriad Genetics, Inc.
Classification: Pathogenic for Hereditary factor XI deficiency disease. Last evaluated: 2024-05-14. Review status: criteria provided, single submitter. Criteria: Myriad Autosomal Dominant, Autosomal Recessive and X-Linked Classification Criteria (2023). Collection method: clinical testing. Allele origin: unknown.
Comment: NM_000128.3(F11):c.1445del1ins17(A482Dfs*31) is expected to be pathogenic in the context of factor XI deficiency. This variant is predicted to lead to an abnormal or absent protein product due to the creation of a premature termination codon in F11, a gene where loss-of-function variants are known to be pathogenic. Please note: this variant was assessed in the context of healthy population screening.